The following is an entry in ClinVar:

NM_017514.5(PLXNA3):c.4676T>A (p.Leu1559His)

Gene: PLXNA3 (plexin A3; plus strand). Cytogenetic location: Xq28.
Variant type: single nucleotide variant.
Coding change: c.4676T>A on transcript NM_017514.5 (MANE Select); coding-DNA position 4676, T replaced by A.
Protein change: p.Leu1559His; replaces leucine 1559 with histidine.
Molecular consequence: missense variant.
Genome position (GRCh38, 1-based): chrX:154,469,460, T>A. VCF-style: chrX-154469460-T-A. GRCh37 (hg19) VCF-style: chrX-153697803-T-A.
Other names: short protein forms L1559H.
Identifiers: ClinVar variation 4999161 (VCV004999161.1).

ClinVar aggregate classification (germline): Uncertain significance (1 of 4 stars; one submission).

Conditions:
PLXNA3-related disorder. Also called: PLXNA3-related condition.

Submission:

PreventionGenetics, part of Exact Sciences
Classification: Uncertain significance for PLXNA3-related condition. Last evaluated: 2025-02-07. Review status: criteria provided, single submitter. Criteria: ACMG Guidelines, 2015. Collection method: clinical testing. Allele origin: germline.
Comment: The PLXNA3 c.4676T>A variant is predicted to result in the amino acid substitution p.Leu1559His. To our knowledge, this variant has not been reported in the literature or in a large population database (gnomAD), indicating this variant is rare. At this time, the clinical significance of this variant is uncertain due to the absence of conclusive functional and genetic evidence.